The following is an entry in ClinVar:

ClinVar aggregate classification (germline): Uncertain significance (1 of 4 stars; one submission).

Conditions:
Acute myeloid leukemia (AML). Also called: Acute myeloid leukemia, adult; AML adult; Acute non-lymphocytic leukemia; Acute granulocytic leukemia; Leukemia, acute myeloid, somatic; Leukemia, acute myelogenous, somatic. Identifiers: Orphanet 519, MedGen C0023467, MeSH D015470, MONDO:0018874, OMIM 601626, HP:0004808. Disease mechanism: Constitutively activated FLT3.

Allele frequency attached by ClinVar (database versions not stated): gnomAD exomes below 0.00001.

Submission:

Labcorp Genetics (formerly Invitae), Labcorp
Classification: Uncertain significance for Acute myeloid leukemia. Last evaluated: 2023-02-09. Review status: criteria provided, single submitter. Criteria: Invitae Variant Classification Sherloc (09022015). Collection method: clinical testing. Allele origin: germline.
Comment: In summary, the available evidence is currently insufficient to determine the role of this variant in disease. Therefore, it has been classified as a Variant of Uncertain Significance. This variant has not been reported in the literature in individuals affected with CEBPA-related conditions. The frequency data for this variant in the population databases is considered unreliable, as metrics indicate poor data quality at this position in the gnomAD database. This sequence change affects codon 52 of the CEBPA mRNA. It is a 'silent' change, meaning that it does not change the encoded amino acid sequence of the CEBPA protein.

NM_004364.5(CEBPA):c.156G>T (p.Leu52=)

Gene: CEBPA (CCAAT enhancer binding protein alpha; minus strand). Cytogenetic location: 19q13.11.
Variant type: single nucleotide variant.
Coding change: c.156G>T on transcript NM_004364.5 (MANE Select); coding-DNA position 156, G replaced by T.
Protein change: p.Leu52=; no amino-acid change (leucine 52 retained).
Molecular consequence: synonymous variant. On other transcripts: 5 prime UTR variant (1).
Genome position (GRCh38, 1-based): chr19:33,302,259, C>A on the plus strand (G>T on the coding strand, the complement: CEBPA is on the minus strand). VCF-style: chr19-33302259-C-A. GRCh37 (hg19) VCF-style: chr19-33793165-C-A.
Other names: c.-202G>T (NM_001285829.2); c.261G>T, p.Leu87= (NM_001287424.2); c.114G>T, p.Leu38= (NM_001287435.2).
Identifiers: ClinVar variation 2835880 (VCV002835880.3), dbSNP rs1445416977, ClinGen allele CA507007625.